The following is an entry in ClinVar:

ClinVar aggregate classification (germline): Pathogenic (1 of 4 stars; one submission).

Conditions:
Loricrin keratoderma. Also called: Vohwinkel syndrome with ichthyosis. Identifiers: Orphanet 79395, MedGen C1858805, MONDO:0011396, OMIM 604117.

Submission:

Victorian Clinical Genetics Services, Murdoch Childrens Research Institute
Classification: Pathogenic for Loricrin keratoderma. Last evaluated: 2022-03-31. Review status: criteria provided, single submitter. Criteria: ACMG Guidelines, 2015. Collection method: clinical testing. Allele origin: germline. Inheritance: Autosomal dominant inheritance.
Comment: Based on the classification scheme VCGS_Germline_v1.3.4, this variant is classified as Pathogenic. Following criteria are met: 0104 - Dominant negative is a known mechanism of disease in this gene and is associated with Vohwinkel syndrome with ichthyosis (MIM#604117) (PMID: 8673107, 11121146, 11038186). (I) 0107 - This gene is associated with autosomal dominant disease. (I) 0208 - Variant is predicted to result in an elongated protein. (SP) 0251 - This variant is heterozygous. (I) 0301 - Variant is absent from gnomAD (both v2 and v3). (SP) 0604 - Variant is not located in an established domain, motif, hotspot or informative constraint region. (I) 0701 - Other elongated variants comparable to the one identified in this case have very strong previous evidence for pathogenicity. Other elongated protein variants have been reported as pathogenic and likely pathogenic in ClinVar and also in multiple individuals with loricrin keratoderma (ClinVar, PMID: 31595526). (SP) 0807 - This variant has no previous evidence of pathogenicity. (I) 0905 - No published segregation evidence has been identified for this variant. (I) 1007 - No published functional evidence has been identified for this variant. (I) 1208 - Inheritance information for this variant is not currently available in this individual. (I) Legend: (SP) - Supporting pathogenic, (I) - Information, (SB) - Supporting benign

Literature cited by the submitters: PubMed 8673107; PubMed 11038186; PubMed 11121146; PubMed 31595526.

NM_000427.3(LORICRIN):c.515dup (p.Gly173fs)

Gene: LORICRIN (loricrin cornified envelope precursor protein; plus strand). Cytogenetic location: 1q21.3.
Variant type: Duplication.
Coding change: c.515dup on transcript NM_000427.3 (MANE Select); coding-DNA position 515, one base duplicated (G; older notation c.515dupG).
Protein change: p.Gly173fs; shifts the reading frame from glycine 173.
Molecular consequence: frameshift variant.
Genome position (GRCh38, 1-based): chr1:153,261,464, G duplicated; the last of 5 consecutive G bases (chr1:153,261,460-153,261,464); duplicating any one gives the same sequence. VCF-style (leftmost placement, unchanged base first): chr1-153261459-C-CG. GRCh37 (hg19) VCF-style: chr1-153233935-C-CG.
Other names: short protein forms G173fs.
Identifiers: ClinVar variation 1805407 (VCV001805407.1), dbSNP rs2526493515, ClinGen allele CA2573102932.